The following is an entry in ClinVar:

ClinVar aggregate classification (germline): Likely benign (0 of 4 stars; one submission).

Conditions:
ACTL6B-related disorder. Also called: ACTL6B-related condition.

Allele frequency attached by ClinVar (database versions not stated): ExAC 0.00003; gnomAD exomes 0.00003; gnomAD 0.00018; 1000 Genomes Project 0.00020; 1000 Genomes Project 30x 0.00031; TOPMed 0.00065.
gnomAD v4.1: 48 of 1,609,530 alleles (0.003%); highest among the groups gnomAD compares: Admixed American, 0.064%; no homozygotes.

Submission:

PreventionGenetics, part of Exact Sciences
Classification: Likely benign for ACTL6B-related condition. Last evaluated: 2020-12-21. Review status: no assertion criteria provided. Collection method: clinical testing. Allele origin: germline.
Comment: This variant is classified as likely benign based on ACMG/AMP sequence variant interpretation guidelines (Richards et al. 2015 PMID: 25741868, with internal and published modifications).

NM_016188.5(ACTL6B):c.103-8C>A

Gene: ACTL6B (actin like 6B; minus strand). Cytogenetic location: 7q22.1.
Variant type: single nucleotide variant.
Coding change: c.103-8C>A on transcript NM_016188.5 (MANE Select); 8 bases into the intron before coding-DNA position 103, C replaced by A.
Molecular consequence: intron variant.
Genome position (GRCh38, 1-based): chr7:100,655,594, G>T on the plus strand (C>A on the coding strand, the complement: ACTL6B is on the minus strand). VCF-style: chr7-100655594-G-T. GRCh37 (hg19) VCF-style: chr7-100253217-G-T.
Identifiers: ClinVar variation 3036891 (VCV003036891.2), dbSNP rs542669366, ClinGen allele CA4387351.